The following is an entry in ClinVar:

NM_021098.3(CACNA1H):c.2995A>G (p.Met999Val)

Gene: CACNA1H (calcium voltage-gated channel subunit alpha1 H; plus strand). Cytogenetic location: 16p13.3.
Variant type: single nucleotide variant.
Coding change: c.2995A>G on transcript NM_021098.3 (MANE Select); coding-DNA position 2995, A replaced by G.
Protein change: p.Met999Val; replaces methionine 999 with valine.
Molecular consequence: missense variant.
Genome position (GRCh38, 1-based): chr16:1,207,362, A>G. VCF-style: chr16-1207362-A-G. GRCh37 (hg19) VCF-style: chr16-1257362-A-G.
Other names: c.2995A>G, p.Met999Val (NM_001005407.2); c.2995A>G (NM_021098.2); short protein forms M999V.
Identifiers: ClinVar variation 1021653 (VCV001021653.10), dbSNP rs774136809, ClinGen allele CA7800542.

ClinVar aggregate classification (germline): Conflicting classifications of pathogenicity. Review status: criteria provided, conflicting classifications (1 of 4 stars). 4 submissions from 4 submitters: Uncertain significance (3); Likely benign (1). Last evaluated 2026-04-20.

Conditions:
Idiopathic generalized epilepsy. Also called: Generalised epilepsy; EIG. Identifiers: MedGen C0270850, MONDO:0005579, OMIM 600669.
Hyperaldosteronism, familial, type IV (HALD4). Also called: FH IV; ALDOSTERONISM, PRIMARY, AND HYPERTENSION. Identifiers: Orphanet 642671, MedGen C4310756, MONDO:0014875, OMIM 617027.
Epilepsy, childhood absence, susceptibility to, 6. Identifiers: Orphanet 64280, MedGen C2749872, MONDO:0012763, OMIM 611942.
Inborn genetic diseases. Identifiers: MedGen C0950123, MeSH D030342.

Allele frequency attached by ClinVar (database versions not stated): gnomAD 0.00003; gnomAD exomes 0.00004 and 0.00009; TOPMed 0.00004; ExAC 0.00007.
gnomAD v4.1: 31 of 1,613,004 alleles (0.0019%); highest among the groups gnomAD compares: Admixed American, 0.047%; no homozygotes.

Submissions (4):

Women's Health and Genetics/Laboratory Corporation of America, LabCorp
Classification: Uncertain significance. Last evaluated: 2026-04-20. Review status: criteria provided, single submitter. Criteria: LabCorp Variant Classification Summary - May 2015. Collection method: clinical testing. Allele origin: germline.
Comment: Variant summary: CACNA1H c.2995A>G (p.Met999Val) results in a conservative amino acid change located in the Ion transport domain (IPR005821) of the encoded protein sequence. Algorithms developed to predict the effect of missense changes on protein structure and function are either unavailable or do not agree on the potential impact of this missense change. The variant allele was found at a frequency of 9.3e-05 in 247756 control chromosomes. This frequency is not significantly higher than estimated for disease-causing variants in CACNA1H, allowing no conclusion about variant significance. To our knowledge, no occurrence of c.2995A>G in individuals affected with CACNA1H-related conditions and no experimental evidence demonstrating its impact on protein function have been reported. ClinVar contains an entry for this variant (Variation ID: 1021653). Based on the evidence outlined above, the variant was classified as uncertain significance.

Labcorp Genetics (formerly Invitae), Labcorp
Classification: Likely benign for Idiopathic generalized epilepsy; Hyperaldosteronism, familial, type IV. Last evaluated: 2025-06-12. Review status: criteria provided, single submitter. Criteria: Invitae Variant Classification Sherloc (09022015). Collection method: clinical testing. Allele origin: germline.

Ambry Genetics
Classification: Uncertain significance for Inborn genetic diseases. Last evaluated: 2024-12-02. Review status: criteria provided, single submitter. Criteria: Ambry Variant Classification Scheme 2023. Collection method: clinical testing. Allele origin: germline.

Fulgent Genetics
Classification: Uncertain significance for Epilepsy, childhood absence, susceptibility to, 6; Hyperaldosteronism, familial, type IV. Last evaluated: 2022-02-23. Review status: criteria provided, single submitter. Criteria: ACMG Guidelines, 2015. Collection method: clinical testing. Allele origin: unknown.